The following is an entry in ClinVar:

ClinVar aggregate classification (germline): Uncertain significance (1 of 4 stars; one submission).

Submission:

Labcorp Genetics (formerly Invitae), Labcorp
Classification: Uncertain significance. Last evaluated: 2025-08-12. Review status: criteria provided, single submitter. Criteria: Invitae Variant Classification Sherloc (09022015). Collection method: clinical testing. Allele origin: germline.
Comment: This sequence change creates a premature translational stop signal (p.Tyr1434*) in the FBN3 gene. It is expected to result in an absent or disrupted protein product. However, the current clinical and genetic evidence is not sufficient to establish whether loss-of-function variants in FBN3 cause disease. This variant is present in population databases (rs188698253, gnomAD 0.007%). This variant has not been reported in the literature in individuals affected with FBN3-related conditions. ClinVar contains an entry for this variant (Variation ID: 3668480). Algorithms developed to predict the effect of sequence changes on RNA splicing suggest that this variant may disrupt the consensus splice site. In summary, the available evidence is currently insufficient to determine the role of this variant in disease. Therefore, it has been classified as a Variant of Uncertain Significance.

NM_032447.5(FBN3):c.4302C>A (p.Tyr1434Ter)

Gene: FBN3 (fibrillin 3; minus strand). Cytogenetic location: 19p13.2.
Variant type: single nucleotide variant.
Coding change: c.4302C>A on transcript NM_032447.5 (MANE Select); coding-DNA position 4302, C replaced by A.
Protein change: p.Tyr1434Ter; replaces tyrosine 1434 with a stop codon.
Molecular consequence: nonsense.
Genome position (GRCh38, 1-based): chr19:8,110,876, G>T on the plus strand (C>A on the coding strand, the complement: FBN3 is on the minus strand). VCF-style: chr19-8110876-G-T. GRCh37 (hg19) VCF-style: chr19-8175760-G-T.
Other names: c.4302C>A, p.Tyr1434Ter (NM_001321431.2); short protein forms Y1434*.
Identifiers: ClinVar variation 3668480 (VCV003668480.2).